The following is an entry in ClinVar:

NM_001277115.2(DNAH11):c.2459C>T (p.Thr820Met)

Gene: DNAH11 (dynein axonemal heavy chain 11; plus strand). Cytogenetic location: 7p15.3.
Variant type: single nucleotide variant.
Coding change: c.2459C>T on transcript NM_001277115.2 (MANE Select); coding-DNA position 2459, C replaced by T.
Protein change: p.Thr820Met; replaces threonine 820 with methionine.
Molecular consequence: missense variant.
Genome position (GRCh38, 1-based): chr7:21,591,369, C>T. VCF-style: chr7-21591369-C-T. GRCh37 (hg19) VCF-style: chr7-21630987-C-T.
Other names: short protein forms T820M.
Identifiers: ClinVar variation 410861 (VCV000410861.7), dbSNP rs561381811, ClinGen allele CA4179344.

ClinVar aggregate classification (germline): Uncertain significance. Review status: criteria provided, multiple submitters, no conflicts (2 of 4 stars). 2 submissions from 2 submitters: Uncertain significance (2). Last evaluated 2026-04-21.

Conditions:
Primary ciliary dyskinesia. Also called: Ciliary dyskinesia. Identifiers: Orphanet 244, MedGen C0008780, MONDO:0016575, HP:0012265.

Allele frequency attached by ClinVar (database versions not stated): gnomAD 0.00003 and 0.00002; 1000 Genomes Project 0.00020; 1000 Genomes Project 30x 0.00016; gnomAD exomes below 0.00001; TOPMed 0.00002; ExAC 0.00001.
gnomAD v4.1: 10 of 1,613,900 alleles (0.00062%); highest among the groups gnomAD compares: African/African-American, 0.0027%; no homozygotes.

Submissions (2):

GeneDx
Classification: Uncertain significance. Last evaluated: 2026-04-21. Review status: criteria provided, single submitter. Criteria: GeneDx Variant Classification Process June 2021. Collection method: clinical testing. Allele origin: germline.
Comment: Not observed at significant frequency in large population cohorts (gnomAD); In silico analysis suggests that this missense variant does not alter protein structure/function; Has not been previously published as pathogenic or benign to our knowledge

Labcorp Genetics (formerly Invitae), Labcorp
Classification: Uncertain significance for Primary ciliary dyskinesia. Last evaluated: 2021-08-20. Review status: criteria provided, single submitter. Criteria: Invitae Variant Classification Sherloc (09022015). Collection method: clinical testing. Allele origin: germline.
Comment: This sequence change replaces threonine with methionine at codon 820 of the DNAH11 protein (p.Thr820Met). The threonine residue is moderately conserved and there is a moderate physicochemical difference between threonine and methionine. This variant is present in population databases (rs561381811, ExAC 0.009%). This variant has not been reported in the literature in individuals affected with DNAH11-related conditions. Algorithms developed to predict the effect of missense changes on protein structure and function are either unavailable or do not agree on the potential impact of this missense change (SIFT: "Deleterious"; PolyPhen-2: "Benign"; Align-GVGD: "Class C0"). In summary, the available evidence is currently insufficient to determine the role of this variant in disease. Therefore, it has been classified as a Variant of Uncertain Significance.